The following is an entry in ClinVar:

NM_138370.3(PKDCC):c.639+1G>T

Genes: PKDCC (protein kinase domain containing, cytoplasmic; plus strand), LOC129933566 (ATAC-STARR-seq lymphoblastoid active region 15635; plus strand). Cytogenetic location: 2p21.
Variant type: single nucleotide variant.
Coding change: c.639+1G>T on transcript NM_138370.3 (MANE Select); the canonical splice donor site of the intron after coding-DNA position 639, G replaced by T.
Molecular consequence: splice donor variant.
Genome position (GRCh38, 1-based): chr2:42,048,839, G>T. VCF-style: chr2-42048839-G-T. GRCh37 (hg19) VCF-style: chr2-42275979-G-T.
Other names: IVS1, G-T, +1 (rs763243200).
Identifiers: ClinVar variation 522098 (VCV000522098.10), dbSNP rs763243200, ClinGen allele CA1627940.

ClinVar aggregate classification (germline): Pathogenic/Likely pathogenic. Review status: criteria provided, multiple submitters, no conflicts (2 of 4 stars). 3 submissions from 3 submitters: Pathogenic (1); Likely pathogenic (1). 1 of the submissions does not count toward it. Last evaluated 2025-08-21.

Conditions:
Rhizomelic limb shortening with dysmorphic features. Identifiers: MedGen C5394173, MONDO:0032935, OMIM 618821.
Inborn genetic diseases. Identifiers: MedGen C0950123, MeSH D030342.

Allele frequency attached by ClinVar (database versions not stated): gnomAD exomes 0.00004; ExAC 0.00005.
gnomAD v4.1: 9 of 1,457,592 alleles (0.00062%); highest among the groups gnomAD compares: Admixed American, 0.012%; no homozygotes.

Submissions (3):

Labcorp Genetics (formerly Invitae), Labcorp
Classification: Pathogenic. Last evaluated: 2025-08-21. Review status: criteria provided, single submitter. Criteria: Invitae Variant Classification Sherloc (09022015). Collection method: clinical testing. Allele origin: germline.
Comment: This sequence change affects a donor splice site in intron 1 of the PKDCC gene. It is expected to disrupt RNA splicing. Variants that disrupt the donor or acceptor splice site typically lead to a loss of protein function (PMID: 16199547), and loss-of-function variants in PKDCC are known to be pathogenic (PMID: 19097194, 30478137). This variant is present in population databases (rs763243200, gnomAD 0.03%). Disruption of this splice site has been observed in individuals with clinical features of PKDCC-related skeletal dysplasia (PMID: 30478137; internal data). ClinVar contains an entry for this variant (Variation ID: 522098). Algorithms developed to predict the effect of sequence changes on RNA splicing suggest that this variant may disrupt the consensus splice site. For these reasons, this variant has been classified as Pathogenic.

Ambry Genetics
Classification: Likely pathogenic for Inborn genetic diseases. Last evaluated: 2024-11-09. Review status: criteria provided, single submitter. Criteria: Ambry Variant Classification Scheme 2023. Collection method: clinical testing. Allele origin: germline.
Comment: The c.639+1G>T intronic variant results from a G to T substitution one nucleotide after coding exon 1 of the PKDCC gene. Alterations that disrupt the canonical splice site are expected to cause aberrant splicing, resulting in an abnormal protein or a transcript that is subject to nonsense-mediated mRNA decay. Based on data from gnomAD, the T allele has an overall frequency of 0.004% (6/158918) total alleles studied. The highest observed frequency was 0.027% (6/22264) of Latino alleles. This variant has been identified in trans with another PKDCC variant in an individual with short stature, macrocephaly, rhizomelia, and brachydactyly (Pagnamenta, 2023). This nucleotide position is highly conserved in available vertebrate species. In silico splice site analysis predicts that this alteration will weaken the native splice donor site. Based on the available evidence, this alteration is classified as likely pathogenic.

OMIM
Classification: Pathogenic for RHIZOMELIC LIMB SHORTENING WITH DYSMORPHIC FEATURES. Last evaluated: 2023-04-25. Review status: no assertion criteria provided. Collection method: literature only. Allele origin: germline. Not counted in ClinVar's aggregate classification.

Literature cited by the submitters: PubMed 16199547 (cited by Labcorp Genetics (formerly Invitae), Labcorp); PubMed 19097194 (cited by Labcorp Genetics (formerly Invitae), Labcorp); PubMed 30478137 (cited by Labcorp Genetics (formerly Invitae), Labcorp and OMIM); PubMed 36896672 (cited by Ambry Genetics and OMIM).